The following is an entry in ClinVar:

ClinVar aggregate classification (germline): Pathogenic. Review status: criteria provided, single submitter (1 of 4 stars). 3 submissions from 2 submitters: Pathogenic (1). 2 of the submissions do not count toward it. Last evaluated 2023-09-25.

Conditions:
Early-infantile DEE. Also called: Ohtahara syndrome; Early infantile epileptic encephalopathy with suppression bursts; Early infantile epileptic encephalopathy. Identifiers: Orphanet 1934, MedGen C0393706, MONDO:0800491.
Developmental and epileptic encephalopathy, 7 (DEE7). Also called: KCNQ2-Related Neonatal Epileptic Encephalopathy; Early infantile epileptic encephalopathy 7; KCNQ2-Related Neonatal-Onset Developmental and Epileptic Encephalopathy (NEO-DEE). Identifiers: Orphanet 439218, MedGen C3150986, MONDO:0013387, OMIM 613720.
Seizures, benign familial neonatal, 1. Also called: KCNQ2-Related Benign Familial Neonatal Epilepsy; Benign Neonatal Epilepsy 1; Seizures, benign neonatal, 1; KCNQ2-Related Self-Limited Familial Neonatal Epilepsy (SLFNE). Identifiers: Orphanet 1949, MedGen C3149074, MONDO:0007365, OMIM 121200.

Submissions (3):

Labcorp Genetics (formerly Invitae), Labcorp
Classification: Pathogenic for Early-infantile DEE. Last evaluated: 2023-09-25. Review status: criteria provided, single submitter. Criteria: Invitae Variant Classification Sherloc (09022015). Collection method: clinical testing. Allele origin: germline.
Comment: This missense change has been observed in individual(s) with clinical features of developmental and epileptic encephalopathy (PMID: 35468861, 36849527). In at least one individual the variant was observed to be de novo. For these reasons, this variant has been classified as Pathogenic. Experimental studies have shown that this missense change affects KCNQ2 function (PMID: 36849527). Advanced modeling of protein sequence and biophysical properties (such as structural, functional, and spatial information, amino acid conservation, physicochemical variation, residue mobility, and thermodynamic stability) has been performed at Invitae for this missense variant, however the output from this modeling did not meet the statistical confidence thresholds required to predict the impact of this variant on KCNQ2 protein function. ClinVar contains an entry for this variant (Variation ID: 566350). This variant is not present in population databases (gnomAD no frequency). This sequence change replaces asparagine, which is neutral and polar, with lysine, which is basic and polar, at codon 258 of the KCNQ2 protein (p.Asn258Lys).

Center of Excellence for Medical Genomics, Chulalongkorn University
Classification: Pathogenic for Developmental and epileptic encephalopathy, 7. Last evaluated: 2022-08-19. Review status: no assertion criteria provided. Collection method: research. Allele origin: de novo. Affected: yes. Not counted in ClinVar's aggregate classification.

Center of Excellence for Medical Genomics, Chulalongkorn University
Classification: Pathogenic for Seizures, benign familial neonatal, 1. Last evaluated: 2002-09-08. Review status: no assertion criteria provided. Collection method: research. Allele origin: de novo. Affected: yes. Not counted in ClinVar's aggregate classification.

Literature cited by the submitters: PubMed 35468861 (cited by Labcorp Genetics (formerly Invitae), Labcorp); PubMed 36849527 (cited by Labcorp Genetics (formerly Invitae), Labcorp).

NM_172107.4(KCNQ2):c.774C>G (p.Asn258Lys)

Gene: KCNQ2 (potassium voltage-gated channel subfamily Q member 2; minus strand). Cytogenetic location: 20q13.33.
Variant type: single nucleotide variant.
Coding change: c.774C>G on transcript NM_172107.4 (MANE Select); coding-DNA position 774, C replaced by G.
Protein change: p.Asn258Lys; replaces asparagine 258 with lysine.
Molecular consequence: missense variant.
Genome position (GRCh38, 1-based): chr20:63,442,448, G>C on the plus strand (C>G on the coding strand, the complement: KCNQ2 is on the minus strand). VCF-style: chr20-63442448-G-C. GRCh37 (hg19) VCF-style: chr20-62073801-G-C.
Other names: c.774C>G, p.Asn258Lys (NM_004518.6, NM_172106.3, NM_172108.5 and 1 more transcripts); short protein forms N258K.
Identifiers: ClinVar variation 566350 (VCV000566350.11), dbSNP rs770187706, ClinGen allele CA409653463.